The following is an entry in ClinVar:

NM_007294.4(BRCA1):c.5325G>C (p.Met1775Ile)

Gene: BRCA1 (BRCA1 DNA repair associated; minus strand). Cytogenetic location: 17q21.31.
Variant type: single nucleotide variant.
Coding change: c.5325G>C on transcript NM_007294.4 (MANE Select); coding-DNA position 5325, G replaced by C.
Protein change: p.Met1775Ile; replaces methionine 1775 with isoleucine.
Molecular consequence: missense variant. On other transcripts: non-coding transcript variant (1).
Genome position (GRCh38, 1-based): chr17:43,051,070, C>G on the plus strand (G>C on the coding strand, the complement: BRCA1 is on the minus strand). VCF-style: chr17-43051070-C-G. GRCh37 (hg19) VCF-style: chr17-41203087-C-G.
Other names: c.5112G>C, p.Met1704Ile (NM_001407571.1, NM_001407895.1, NM_001407896.1 and 12 more transcripts); c.5391G>C, p.Met1797Ile (NM_001407581.1, NM_001407582.1); c.5388G>C, p.Met1796Ile (NM_001407583.1, NM_001407585.1, NM_001407587.1 and 1 more transcripts); c.5385G>C, p.Met1795Ile (NM_001407590.1, NM_001407591.1); c.5325G>C, p.Met1775Ile (NM_001407593.1, NM_001407594.1, NM_001407596.1 and 6 more transcripts); c.5322G>C, p.Met1774Ile (NM_001407610.1, NM_001407611.1, NM_001407612.1 and 17 more transcripts); c.5319G>C, p.Met1773Ile (NM_001407627.1, NM_001407628.1, NM_001407629.1 and 14 more transcripts); c.5316G>C, p.Met1772Ile (NM_001407644.1, NM_001407645.1); and 72 more; short protein forms M1775I, M1796I, M1728I, M671I, M1648I, M1664I, M1732I, M1749I.
Identifiers: ClinVar variation 865305 (VCV000865305.3), dbSNP rs1135401885, ClinGen allele CA10590901.

Conditions:
Breast-ovarian cancer, familial, susceptibility to, 1 (BROVCA1). Also called: BRCA1 Hereditary Breast and Ovarian Cancer; OVARIAN CANCER, SUSCEPTIBILITY TO. Identifiers: Orphanet 145, MedGen C2676676, MONDO:0011450, OMIM 604370. Disease mechanism: loss of function.

Submission:

Brotman Baty Institute, University of Washington
No classification provided (evidence only). Condition: Breast-ovarian cancer, familial 1. Review status: no classification provided. Collection method: in vitro. Allele origin: not applicable. Functional consequence: function_uncertain_variant.
ClinVar note: "not provided" was previously submitted as the classification for the variant. However, the classification appeared to be based only on an observation of functional data so it was converted to no classification on 2025-07-30.